The following is an entry in ClinVar:

ClinVar aggregate classification (germline): Uncertain significance (1 of 4 stars; one submission).

Conditions:
Fanconi anemia (FA). Also called: Fanconi's anemia. Identifiers: Orphanet 84, MedGen C0015625, MeSH D005199, MONDO:0019391.

Allele frequency attached by ClinVar (database versions not stated): gnomAD exomes below 0.00001; TOPMed below 0.00001; gnomAD 0.00001.
gnomAD v4.1: 2 of 1,196,591 alleles (0.00017%); highest among the groups gnomAD compares: Non-Finnish European, 0.00023%; no homozygotes.

Submission:

Labcorp Genetics (formerly Invitae), Labcorp
Classification: Uncertain significance for Fanconi anemia. Last evaluated: 2022-07-25. Review status: criteria provided, single submitter. Criteria: Invitae Variant Classification Sherloc (09022015). Collection method: clinical testing. Allele origin: germline.
Comment: Algorithms developed to predict the effect of missense changes on protein structure and function are either unavailable or do not agree on the potential impact of this missense change (SIFT: "Deleterious"; PolyPhen-2: "Probably Damaging"; Align-GVGD: "Class C0"). In summary, the available evidence is currently insufficient to determine the role of this variant in disease. Therefore, it has been classified as a Variant of Uncertain Significance. ClinVar contains an entry for this variant (Variation ID: 1349415). This variant has not been reported in the literature in individuals affected with FANCB-related conditions. This variant is not present in population databases (gnomAD no frequency). This sequence change replaces arginine, which is basic and polar, with cysteine, which is neutral and slightly polar, at codon 481 of the FANCB protein (p.Arg481Cys).

NM_001018113.3(FANCB):c.1441C>T (p.Arg481Cys)

Gene: FANCB (FA complementation group B; minus strand). Cytogenetic location: Xp22.2.
Variant type: single nucleotide variant.
Coding change: c.1441C>T on transcript NM_001018113.3 (MANE Select); coding-DNA position 1441, C replaced by T.
Protein change: p.Arg481Cys; replaces arginine 481 with cysteine.
Molecular consequence: missense variant.
Genome position (GRCh38, 1-based): chrX:14,850,560, G>A on the plus strand (C>T on the coding strand, the complement: FANCB is on the minus strand). VCF-style: chrX-14850560-G-A. GRCh37 (hg19) VCF-style: chrX-14868682-G-A.
Other names: c.1441C>T, p.Arg481Cys (NM_001324162.2, NM_152633.4); short protein forms R481C.
Identifiers: ClinVar variation 1349415 (VCV001349415.6), dbSNP rs2092396737, ClinGen allele CA412441995.